The following is an entry in ClinVar:

ClinVar aggregate classification (germline): Uncertain significance (1 of 4 stars; one submission).

Submission:

Labcorp Genetics (formerly Invitae), Labcorp
Classification: Uncertain significance. Last evaluated: 2025-06-03. Review status: criteria provided, single submitter. Criteria: Invitae Variant Classification Sherloc (09022015). Collection method: clinical testing. Allele origin: germline.
Comment: This sequence change replaces glutamine, which is neutral and polar, with leucine, which is neutral and non-polar, at codon 998 of the CHD8 protein (p.Gln998Leu). This variant is not present in population databases (gnomAD no frequency). This variant has not been reported in the literature in individuals affected with CHD8-related conditions. Invitae Evidence Modeling of protein sequence and biophysical properties (such as structural, functional, and spatial information, amino acid conservation, physicochemical variation, residue mobility, and thermodynamic stability) indicates that this missense variant is not expected to disrupt CHD8 protein function with a negative predictive value of 95%. In summary, the available evidence is currently insufficient to determine the role of this variant in disease. Therefore, it has been classified as a Variant of Uncertain Significance.

NM_001170629.2(CHD8):c.2993A>T (p.Gln998Leu)

Gene: CHD8 (chromodomain helicase DNA binding protein 8; minus strand). Cytogenetic location: 14q11.2.
Variant type: single nucleotide variant.
Coding change: c.2993A>T on transcript NM_001170629.2 (MANE Select); coding-DNA position 2993, A replaced by T.
Protein change: p.Gln998Leu; replaces glutamine 998 with leucine.
Molecular consequence: missense variant.
Genome position (GRCh38, 1-based): chr14:21,405,779, T>A on the plus strand (A>T on the coding strand, the complement: CHD8 is on the minus strand). VCF-style: chr14-21405779-T-A. GRCh37 (hg19) VCF-style: chr14-21873938-T-A.
Other names: c.2156A>T, p.Gln719Leu (NM_020920.4); short protein forms Q719L, Q998L.
Identifiers: ClinVar variation 4746975 (VCV004746975.1).